The following is an entry in ClinVar:

NM_152383.5(DIS3L2):c.101A>C (p.Asp34Ala)

Gene: DIS3L2 (DIS3 like 3'-5' exoribonuclease 2; plus strand). Cytogenetic location: 2q37.1.
Variant type: single nucleotide variant.
Coding change: c.101A>C on transcript NM_152383.5 (MANE Select); coding-DNA position 101, A replaced by C.
Protein change: p.Asp34Ala; replaces aspartic acid 34 with alanine.
Molecular consequence: missense variant. On other transcripts: non-coding transcript variant (2).
Genome position (GRCh38, 1-based): chr2:232,015,562, A>C. VCF-style: chr2-232015562-A-C. GRCh37 (hg19) VCF-style: chr2-232880272-A-C.
Other names: c.101A>C, p.Asp34Ala (NM_001257281.2, NM_001257282.2); short protein forms D34A.
Identifiers: ClinVar variation 844005 (VCV000844005.7), dbSNP rs776585118, ClinGen allele CA2163722.

ClinVar aggregate classification (germline): Uncertain significance (1 of 4 stars; one submission).

Conditions:
Perlman syndrome (PRLMNS). Identifiers: Orphanet 2849, MedGen C0796113, MONDO:0009965, OMIM 267000.

Allele frequency attached by ClinVar (database versions not stated): gnomAD 0.00001; TOPMed below 0.00001.
gnomAD v4.1: 15 of 1,613,936 alleles (0.00093%); highest among the groups gnomAD compares: Non-Finnish European, 0.0011%; no homozygotes.

Submission:

Labcorp Genetics (formerly Invitae), Labcorp
Classification: Uncertain significance for Perlman syndrome. Last evaluated: 2025-07-07. Review status: criteria provided, single submitter. Criteria: Invitae Variant Classification Sherloc (09022015). Collection method: clinical testing. Allele origin: germline.
Comment: This sequence change replaces aspartic acid, which is acidic and polar, with alanine, which is neutral and non-polar, at codon 34 of the DIS3L2 protein (p.Asp34Ala). This variant is present in population databases (rs776585118, gnomAD 0.003%). This variant has not been reported in the literature in individuals affected with DIS3L2-related conditions. ClinVar contains an entry for this variant (Variation ID: 844005). An algorithm developed to predict the effect of missense changes on protein structure and function (PolyPhen-2) suggests that this variant is likely to be tolerated. In summary, the available evidence is currently insufficient to determine the role of this variant in disease. Therefore, it has been classified as a Variant of Uncertain Significance.